The following is an entry in ClinVar:

ClinVar aggregate classification (germline): Uncertain significance. Review status: criteria provided, multiple submitters, no conflicts (2 of 4 stars). 3 submissions from 3 submitters: Uncertain significance (3). Last evaluated 2025-03-22.

Conditions:
Myofibrillar myopathy 5. Also called: FILAMINOPATHY, AUTOSOMAL DOMINANT; Filaminopathy (type). Identifiers: Orphanet 171445, MedGen C1836050, MONDO:0012289, OMIM 609524.
Distal myopathy with posterior leg and anterior hand involvement. Also called: WILLIAMS DISTAL MYOPATHY. Identifiers: Orphanet 63273, MedGen C3279722, MONDO:0013550, OMIM 614065.
Hypertrophic cardiomyopathy 26. Also called: Cardiomyopathy, familial hypertrophic, 26. Identifiers: Orphanet 75249, MedGen C4310749, MONDO:0014883, OMIM 617047.
Cardiovascular phenotype. Identifiers: MedGen CN230736.

Allele frequency attached by ClinVar (database versions not stated): gnomAD exomes 0.00001; TOPMed 0.00001.

Submissions (3):

Labcorp Genetics (formerly Invitae), Labcorp
Classification: Uncertain significance for Distal myopathy with posterior leg and anterior hand involvement; Myofibrillar myopathy 5; Hypertrophic cardiomyopathy 26. Last evaluated: 2025-03-22. Review status: criteria provided, single submitter. Criteria: Invitae Variant Classification Sherloc (09022015). Collection method: clinical testing. Allele origin: germline.
Comment: This sequence change replaces arginine, which is basic and polar, with histidine, which is basic and polar, at codon 62 of the FLNC protein (p.Arg62His). This variant is present in population databases (no rsID available, gnomAD 0.002%). This variant has not been reported in the literature in individuals affected with FLNC-related conditions. ClinVar contains an entry for this variant (Variation ID: 852601). Invitae Evidence Modeling of protein sequence and biophysical properties (such as structural, functional, and spatial information, amino acid conservation, physicochemical variation, residue mobility, and thermodynamic stability) has been performed for this missense variant. However, the output from this modeling did not meet the statistical confidence thresholds required to predict the impact of this variant on FLNC protein function. In summary, the available evidence is currently insufficient to determine the role of this variant in disease. Therefore, it has been classified as a Variant of Uncertain Significance.

GeneDx
Classification: Uncertain significance. Last evaluated: 2024-04-19. Review status: criteria provided, single submitter. Criteria: GeneDx Variant Classification Process June 2021. Collection method: clinical testing. Allele origin: germline. Affected: yes.
Comment: Has not been previously published as pathogenic or benign to our knowledge; Not observed at significant frequency in large population cohorts (gnomAD); In silico analysis indicates that this missense variant does not alter protein structure/function

Ambry Genetics
Classification: Uncertain significance for Cardiovascular phenotype. Last evaluated: 2020-01-28. Review status: criteria provided, single submitter. Criteria: Ambry Variant Classification Scheme 2023. Collection method: clinical testing. Allele origin: germline.
Comment: The p.R62H variant (also known as c.185G>A), located in coding exon 1 of the FLNC gene, results from a G to A substitution at nucleotide position 185. The arginine at codon 62 is replaced by histidine, an amino acid with highly similar properties. This amino acid position is not well conserved in available vertebrate species, and histidine is the reference amino acid in other vertebrate species. In addition, this alteration is predicted to be tolerated by in silico analysis. Since supporting evidence is limited at this time, the clinical significance of this alteration remains unclear.

NM_001458.5(FLNC):c.185G>A (p.Arg62His)

Gene: FLNC (filamin C; plus strand). Cytogenetic location: 7q32.1.
Variant type: single nucleotide variant.
Coding change: c.185G>A on transcript NM_001458.5 (MANE Select); coding-DNA position 185, G replaced by A.
Protein change: p.Arg62His; replaces arginine 62 with histidine.
Molecular consequence: missense variant.
Genome position (GRCh38, 1-based): chr7:128,830,822, G>A. VCF-style: chr7-128830822-G-A. GRCh37 (hg19) VCF-style: chr7-128470876-G-A.
Other names: c.185G>A, p.Arg62His (NM_001127487.2); short protein forms R62H.
Identifiers: ClinVar variation 852601 (VCV000852601.13), dbSNP rs1308771065, ClinGen allele CA369216239.